The following is an entry in ClinVar:

NM_000038.6(APC):c.5333C>G (p.Pro1778Arg)

Gene: APC (APC regulator of Wnt signaling pathway; plus strand). Cytogenetic location: 5q22.2.
Variant type: single nucleotide variant.
Coding change: c.5333C>G on transcript NM_000038.6 (MANE Select); coding-DNA position 5333, C replaced by G.
Protein change: p.Pro1778Arg; replaces proline 1778 with arginine.
Molecular consequence: missense variant.
Genome position (GRCh38, 1-based): chr5:112,840,927, C>G. VCF-style: chr5-112840927-C-G. GRCh37 (hg19) VCF-style: chr5-112176624-C-G.
Other names: c.5333C>G, p.Pro1778Arg (NM_001127510.3, NM_001354895.2); c.5279C>G, p.Pro1760Arg (NM_001127511.3); c.5387C>G, p.Pro1796Arg (NM_001354896.2); c.5363C>G, p.Pro1788Arg (NM_001354897.2); c.5258C>G, p.Pro1753Arg (NM_001354898.2); c.5249C>G, p.Pro1750Arg (NM_001354899.2); c.5210C>G, p.Pro1737Arg (NM_001354900.2); c.5156C>G, p.Pro1719Arg (NM_001354901.2); and 5 more; short protein forms P1760R, P1778R, P1495R, P1737R, P1750R, P1753R, P1677R, P1618R.
Identifiers: ClinVar variation 631302 (VCV000631302.13), dbSNP rs952662066, ClinGen allele CA16032991.

ClinVar aggregate classification (germline): Uncertain significance. Review status: criteria provided, multiple submitters, no conflicts (2 of 4 stars). 4 submissions from 4 submitters: Uncertain significance (4). Last evaluated 2025-02-12.

Conditions:
Hereditary cancer-predisposing syndrome. Also called: Tumor predisposition; Neoplastic Syndromes, Hereditary; Hereditary neoplastic syndrome; Hereditary Cancer Syndrome. Identifiers: Orphanet 140162, MedGen C0027672, MeSH D009386, MONDO:0015356.
Familial adenomatous polyposis 1 (FAP1). Also called: POLYPOSIS, ADENOMATOUS INTESTINAL; FAMILIAL ADENOMATOUS POLYPOSIS 1, ATTENUATED. Identifiers: MedGen C2713442, MONDO:0021056, OMIM 175100. Disease mechanism: loss of function.

Allele frequency attached by ClinVar (database versions not stated): gnomAD below 0.00001 and 0.00001.
gnomAD v4.1: 1 of 1,613,670 alleles (0.000062%); highest among the groups gnomAD compares: South Asian, 0.0011%; no homozygotes.

Submissions (4):

Labcorp Genetics (formerly Invitae), Labcorp
Classification: Uncertain significance for Familial adenomatous polyposis 1. Last evaluated: 2025-02-12. Review status: criteria provided, single submitter. Criteria: Invitae Variant Classification Sherloc (09022015). Collection method: clinical testing. Allele origin: germline.
Comment: This sequence change replaces proline, which is neutral and non-polar, with arginine, which is basic and polar, at codon 1778 of the APC protein (p.Pro1778Arg). This variant is not present in population databases (gnomAD no frequency). This variant has not been reported in the literature in individuals affected with APC-related conditions. ClinVar contains an entry for this variant (Variation ID: 631302). Invitae Evidence Modeling of protein sequence and biophysical properties (such as structural, functional, and spatial information, amino acid conservation, physicochemical variation, residue mobility, and thermodynamic stability) indicates that this missense variant is not expected to disrupt APC protein function with a negative predictive value of 95%. In summary, the available evidence is currently insufficient to determine the role of this variant in disease. Therefore, it has been classified as a Variant of Uncertain Significance.

Color Diagnostics, LLC DBA Color Health
Classification: Uncertain significance for Hereditary cancer-predisposing syndrome. Last evaluated: 2024-03-06. Review status: criteria provided, single submitter. Criteria: ACMG Guidelines, 2015. Collection method: clinical testing. Allele origin: germline.
Comment: This missense variant replaces proline with arginine at codon 1778 of the APC protein. Computational prediction is inconclusive regarding the impact of this variant on protein structure and function (internally defined REVEL score threshold 0.5 < inconclusive < 0.7, PMID: 27666373). To our knowledge, functional studies have not been reported for this variant. This variant has not been reported in individuals affected with hereditary cancer in the literature. This variant has not been identified in the general population by the Genome Aggregation Database (gnomAD). The available evidence is insufficient to determine the role of this variant in disease conclusively. Therefore, this variant is classified as a Variant of Uncertain Significance.

Ambry Genetics
Classification: Uncertain significance for Hereditary cancer-predisposing syndrome. Last evaluated: 2023-10-22. Review status: criteria provided, single submitter. Criteria: Ambry Variant Classification Scheme 2023. Collection method: clinical testing. Allele origin: germline.
Comment: The p.P1778R variant (also known as c.5333C>G), located in coding exon 15 of the APC gene, results from a C to G substitution at nucleotide position 5333. The proline at codon 1778 is replaced by arginine, an amino acid with dissimilar properties. This amino acid position is conserved. In addition, in silico predictors for this gene do not accurately predict pathogenicity. Since supporting evidence is limited at this time, the clinical significance of this alteration remains unclear.

Baylor Genetics
Classification: Uncertain significance for Familial adenomatous polyposis 1. Last evaluated: 2021-07-13. Review status: criteria provided, single submitter. Criteria: ACMG Guidelines, 2015. Collection method: clinical testing. Allele origin: paternal. Affected: yes. Study: CSER-TexasKidsCanSeq.
Comment: This variant was determined to be of uncertain significance according to ACMG Guidelines, 2015 [PMID:25741868].